The following is an entry in ClinVar:

NM_005751.5(AKAP9):c.8474C>T (p.Thr2825Ile)

Gene: AKAP9 (A-kinase anchoring protein 9; plus strand). Cytogenetic location: 7q21.2.
Variant type: single nucleotide variant.
Coding change: c.8474C>T on transcript NM_005751.5 (MANE Select); coding-DNA position 8474, C replaced by T.
Protein change: p.Thr2825Ile; replaces threonine 2825 with isoleucine.
Molecular consequence: missense variant.
Genome position (GRCh38, 1-based): chr7:92,083,483, C>T. VCF-style: chr7-92083483-C-T. GRCh37 (hg19) VCF-style: chr7-91712797-C-T.
Other names: c.3119C>T, p.Thr1040Ile (NM_001379277.1); c.8450C>T, p.Thr2817Ile (NM_147185.3); short protein forms T1040I, T2817I, T2825I.
Identifiers: ClinVar variation 3607005 (VCV003607005.2).

ClinVar aggregate classification (germline): Uncertain significance (1 of 4 stars; one submission).

Conditions:
Long QT syndrome (LQTS). Identifiers: MedGen C0023976, MeSH D008133, MONDO:0002442. Disease mechanism: loss of function. Inheritance: Various modes of inheritance.

Submission:

Labcorp Genetics (formerly Invitae), Labcorp
Classification: Uncertain significance for Long QT syndrome. Last evaluated: 2024-04-12. Review status: criteria provided, single submitter. Criteria: Invitae Variant Classification Sherloc (09022015). Collection method: clinical testing. Allele origin: germline.
Comment: This sequence change replaces threonine, which is neutral and polar, with isoleucine, which is neutral and non-polar, at codon 2825 of the AKAP9 protein (p.Thr2825Ile). This variant is not present in population databases (gnomAD no frequency). This variant has not been reported in the literature in individuals affected with AKAP9-related conditions. An algorithm developed to predict the effect of missense changes on protein structure and function (PolyPhen-2) suggests that this variant is likely to be disruptive. In summary, the available evidence is currently insufficient to determine the role of this variant in disease. Therefore, it has been classified as a Variant of Uncertain Significance.